The following is an entry in ClinVar:

NM_001114753.3(ENG):c.1494dup (p.Pro499fs)

Genes: ENG (endoglin; minus strand), LOC102723566 (uncharacterized LOC102723566; plus strand). Cytogenetic location: 9q34.11.
Variant type: Duplication.
Coding change: c.1494dup on transcript NM_001114753.3 (MANE Select); coding-DNA position 1494, one base duplicated (G; older notation c.1494dupG).
Protein change: p.Pro499fs; shifts the reading frame from proline 499.
Molecular consequence: frameshift variant. On other transcripts: non-coding transcript variant (1).
Genome position (GRCh38, 1-based): chr9:127,818,312, C duplicated on the plus strand (G on the coding strand, the reverse complement: ENG is on the minus strand); the first of 4 consecutive C bases (chr9:127,818,312-127,818,315); duplicating any one gives the same sequence. VCF-style (leftmost placement, unchanged base first): chr9-127818311-G-GC. GRCh37 (hg19) VCF-style: chr9-130580590-G-GC.
Other names: c.1494dup, p.Pro499fs (NM_000118.4); c.948dup, p.Pro317fs (NM_001278138.2); short protein forms P317fs, P499fs.
Identifiers: ClinVar variation 4531297 (VCV004531297.2).
Genomic context (GRCh38, chr9:127,818,311, plus strand): 5'-GGCTCACACAGTTGCCCTTGGCCGCCCGGCCCTGGATGAGTTCCACGGTGCCTCCCTCAG[G>GC]CCCCAAGTCCAGGTGGCAGCTGTCTAACTGGAGCAGGAACTCGGAGACGGATGGGGACAC-3'

ClinVar aggregate classification (germline): Likely pathogenic (1 of 4 stars; one submission).

Conditions:
Telangiectasia, hereditary hemorrhagic, type 1 (HHT1). Also called: Osler Weber Rendu syndrome type 1; ENG-Related Hereditary Hemorrhagic Telangiectasia. Identifiers: Orphanet 774, MedGen C4551861, MONDO:0008535, OMIM 187300. Disease mechanism: loss of function.

Submission:

Juno Genomics, Hangzhou Juno Genomics, Inc
Classification: Likely pathogenic for Telangiectasia, hereditary hemorrhagic, type 1. Review status: criteria provided, single submitter. Criteria: ACMG Guidelines, 2015. Collection method: clinical testing. Allele origin: germline.
Comment: Absent from controls (or at extremely low frequency if recessive) in Genome Aggregation Database.;Null variant in a gene where loss of function (LOF) is a known mechanism of disease.